The following is an entry in ClinVar:

NM_001042492.3(NF1):c.1241T>C (p.Leu414Pro)

Gene: NF1 (neurofibromin 1; plus strand). Cytogenetic location: 17q11.2.
Variant type: single nucleotide variant.
Coding change: c.1241T>C on transcript NM_001042492.3 (MANE Select); coding-DNA position 1241, T replaced by C.
Protein change: p.Leu414Pro; replaces leucine 414 with proline.
Molecular consequence: missense variant.
Genome position (GRCh38, 1-based): chr17:31,201,466, T>C. VCF-style: chr17-31201466-T-C. GRCh37 (hg19) VCF-style: chr17-29528484-T-C.
Other names: c.1241T>C, p.Leu414Pro (NM_000267.4, NM_001128147.3); short protein forms L414P.
Identifiers: ClinVar variation 2113687 (VCV002113687.6), dbSNP rs1334926587, ClinGen allele CA398997691.

ClinVar aggregate classification (germline): Conflicting classifications of pathogenicity. Review status: criteria provided, conflicting classifications (1 of 4 stars). 3 submissions from 3 submitters: Likely pathogenic (2); Uncertain significance (1). Last evaluated 2026-02-26.

Conditions:
Neurofibromatosis, type 1 (NF1). Also called: NEUROFIBROMATOSIS, TYPE I, SOMATIC; Neurofibromatosis, type I; Peripheral type neurofibromatosis; VON RECKLINGHAUSEN DISEASE. Identifiers: Orphanet 636, MedGen C0027831, MONDO:0018975, OMIM 162200. Disease mechanism: loss of function.
Cardiovascular phenotype. Identifiers: MedGen CN230736.
Hereditary cancer-predisposing syndrome. Also called: Tumor predisposition; Hereditary Cancer Syndrome; Neoplastic Syndromes, Hereditary; Hereditary neoplastic syndrome. Identifiers: Orphanet 140162, MedGen C0027672, MeSH D009386, MONDO:0015356.

Submissions (3):

NHS Central & South Genomic Laboratory Hub
Classification: Likely pathogenic for Neurofibromatosis type 1. Last evaluated: 2026-02-26. Review status: criteria provided, single submitter. Criteria: ACMG Guidelines, 2015. Collection method: clinical testing. Allele origin: germline. Affected: yes.

Ambry Genetics
Classification: Uncertain significance for Cardiovascular phenotype; Hereditary cancer-predisposing syndrome. Last evaluated: 2025-01-16. Review status: criteria provided, single submitter. Criteria: Ambry Variant Classification Scheme 2023. Collection method: clinical testing. Allele origin: germline.
Comment: The p.L414P variant (also known as c.1241T>C), located in coding exon 11 of the NF1 gene, results from a T to C substitution at nucleotide position 1241. The leucine at codon 414 is replaced by proline, an amino acid with similar properties. This amino acid position is highly conserved in available vertebrate species. In addition, this alteration is predicted to be deleterious by in silico analysis. Based on the available evidence, the clinical significance of this variant remains unclear.

Labcorp Genetics (formerly Invitae), Labcorp
Classification: Likely pathogenic for Neurofibromatosis, type 1. Last evaluated: 2024-07-22. Review status: criteria provided, single submitter. Criteria: Invitae Variant Classification Sherloc (09022015). Collection method: clinical testing. Allele origin: germline.
Comment: This sequence change replaces leucine, which is neutral and non-polar, with proline, which is neutral and non-polar, at codon 414 of the NF1 protein (p.Leu414Pro). This variant is not present in population databases (gnomAD no frequency). This missense change has been observed in individual(s) with neurofibromatosis type 1 (Invitae). ClinVar contains an entry for this variant (Variation ID: 2113687). Advanced modeling of protein sequence and biophysical properties (such as structural, functional, and spatial information, amino acid conservation, physicochemical variation, residue mobility, and thermodynamic stability) performed at Invitae indicates that this missense variant is expected to disrupt NF1 protein function with a positive predictive value of 95%. This variant disrupts the p.Leu414 amino acid residue in NF1. Other variant(s) that disrupt this residue have been observed in individuals with NF1-related conditions (PMID: 16835897, 35240321; Invitae), which suggests that this may be a clinically significant amino acid residue. In summary, the currently available evidence indicates that the variant is pathogenic, but additional data are needed to prove that conclusively. Therefore, this variant has been classified as Likely Pathogenic.

Literature cited by the submitters: PubMed 16835897 (cited by Labcorp Genetics (formerly Invitae), Labcorp); PubMed 35240321 (cited by Labcorp Genetics (formerly Invitae), Labcorp).